The following is an entry in ClinVar:

ClinVar aggregate classification (germline): Conflicting classifications of pathogenicity. Review status: criteria provided, conflicting classifications (1 of 4 stars). 2 submissions from 2 submitters: Uncertain significance (1); Likely benign (1). Last evaluated 2025-07-07.

Conditions:
Autoimmune lymphoproliferative syndrome type 1. Also called: AUTOIMMUNE LYMPHOPROLIFERATIVE SYNDROME, TYPE I, AUTOSOMAL DOMINANT. Identifiers: Orphanet 3261, MedGen C2717884, MONDO:0011158, OMIM 601859.

Submissions (2):

Dasa
Classification: Likely benign. Last evaluated: 2025-07-07. Review status: criteria provided, single submitter. Criteria: DASA Assertion Criteria. Collection method: clinical testing. Allele origin: germline.
Comment: NM_000043.6(FAS):c.530T>G (p.Leu177Arg) is a missense variant that results in the substitution of leucine with arginine. Computational prediction algorithms are consistent with a benign effect. Therefore, based on the currently available evidence, this variant is classified as likely benign.

Labcorp Genetics (formerly Invitae), Labcorp
Classification: Uncertain significance for Autoimmune lymphoproliferative syndrome. Last evaluated: 2024-02-26. Review status: criteria provided, single submitter. Criteria: Invitae Variant Classification Sherloc (09022015). Collection method: clinical testing. Allele origin: germline.
Comment: This sequence change replaces leucine, which is neutral and non-polar, with arginine, which is basic and polar, at codon 177 of the FAS protein (p.Leu177Arg). This variant is not present in population databases (gnomAD no frequency). This missense change has been observed in individual(s) with autoimmune lymphoproliferative syndrome (PMID: 33992756). ClinVar contains an entry for this variant (Variation ID: 836453). Advanced modeling of protein sequence and biophysical properties (such as structural, functional, and spatial information, amino acid conservation, physicochemical variation, residue mobility, and thermodynamic stability) performed at Invitae indicates that this missense variant is expected to disrupt FAS protein function with a positive predictive value of 80%. In summary, the available evidence is currently insufficient to determine the role of this variant in disease. Therefore, it has been classified as a Variant of Uncertain Significance.

Literature cited by the submitters: PubMed 33992756 (cited by Labcorp Genetics (formerly Invitae), Labcorp).

NM_000043.6(FAS):c.530T>G (p.Leu177Arg)

Gene: FAS (Fas cell surface death receptor; plus strand). Cytogenetic location: 10q23.31.
Variant type: single nucleotide variant.
Coding change: c.530T>G on transcript NM_000043.6 (MANE Select); coding-DNA position 530, T replaced by G.
Protein change: p.Leu177Arg; replaces leucine 177 with arginine.
Molecular consequence: missense variant. On other transcripts: non-coding transcript variant (5), intron variant (1).
Genome position (GRCh38, 1-based): chr10:89,010,777, T>G. VCF-style: chr10-89010777-T-G. GRCh37 (hg19) VCF-style: chr10-90770534-T-G.
Other names: c.530T>G, p.Leu177Arg (NM_001320619.2, NM_152872.4); c.505+177T>G (NM_152871.4); short protein forms L177R.
Identifiers: ClinVar variation 836453 (VCV000836453.10), dbSNP rs1848490280, ClinGen allele CA377509114.